The following is an entry in ClinVar:

NM_002299.4(LCT):c.2813C>T (p.Thr938Ile)

Gene: LCT (lactase; minus strand). Cytogenetic location: 2q21.3.
Variant type: single nucleotide variant.
Coding change: c.2813C>T on transcript NM_002299.4 (MANE Select); coding-DNA position 2813, C replaced by T.
Protein change: p.Thr938Ile; replaces threonine 938 with isoleucine.
Molecular consequence: missense variant.
Genome position (GRCh38, 1-based): chr2:135,809,534, G>A on the plus strand (C>T on the coding strand, the complement: LCT is on the minus strand). VCF-style: chr2-135809534-G-A. GRCh37 (hg19) VCF-style: chr2-136567104-G-A.
Other names: short protein forms T938I.
Identifiers: ClinVar variation 1927810 (VCV001927810.2), dbSNP rs781433818, ClinGen allele CA1888156.
Genomic context (GRCh38, chr2:135,809,534, plus strand): 5'-TGGTGATAGCTGTCACAGGCGATGTCTCCAGTGGCATTGTCTTTCACATTGCTCCCTGGT[G>A]TGTGGGTAAAGTTATCCCAGATGCTGGGGCCTTTGCCATCGGCATCCCACGCGCCTTCAA-3'
Protein context (NP_002290.2, residues 928-948): GPSIWDNFTH[Thr938Ile]PGSNVKDNAT

ClinVar aggregate classification (germline): Uncertain significance (1 of 4 stars; one submission).

Allele frequency attached by ClinVar (database versions not stated): gnomAD 0.00002; TOPMed 0.00004; ExAC 0.00009.
gnomAD v4.1: 60 of 1,614,118 alleles (0.0037%); highest among the groups gnomAD compares: South Asian, 0.038%; 1 homozygote.

Submission:

Labcorp Genetics (formerly Invitae), Labcorp
Classification: Uncertain significance. Last evaluated: 2022-08-19. Review status: criteria provided, single submitter. Criteria: Invitae Variant Classification Sherloc (09022015). Collection method: clinical testing. Allele origin: germline.
Comment: This sequence change replaces threonine, which is neutral and polar, with isoleucine, which is neutral and non-polar, at codon 938 of the LCT protein (p.Thr938Ile). This variant is present in population databases (rs781433818, gnomAD 0.03%). This variant has not been reported in the literature in individuals affected with LCT-related conditions. Algorithms developed to predict the effect of missense changes on protein structure and function are either unavailable or do not agree on the potential impact of this missense change (SIFT: "Not Available"; PolyPhen-2: "Benign"; Align-GVGD: "Not Available"). In summary, the available evidence is currently insufficient to determine the role of this variant in disease. Therefore, it has been classified as a Variant of Uncertain Significance.